The following is an entry in ClinVar:

NM_002230.4(JUP):c.266T>A (p.Met89Lys)

Gene: JUP (junction plakoglobin; minus strand). Cytogenetic location: 17q21.2.
Variant type: single nucleotide variant.
Coding change: c.266T>A on transcript NM_002230.4 (MANE Select); coding-DNA position 266, T replaced by A.
Protein change: p.Met89Lys; replaces methionine 89 with lysine.
Molecular consequence: missense variant.
Genome position (GRCh38, 1-based): chr17:41,769,620, A>T on the plus strand (T>A on the coding strand, the complement: JUP is on the minus strand). VCF-style: chr17-41769620-A-T. GRCh37 (hg19) VCF-style: chr17-39925872-A-T.
Other names: c.266T>A, p.Met89Lys (NM_001352773.2, NM_001352774.2, NM_001352775.2 and 3 more transcripts); short protein forms M89K.
Identifiers: ClinVar variation 2942872 (VCV002942872.3), dbSNP rs542745694, ClinGen allele CA399505773.

ClinVar aggregate classification (germline): Uncertain significance (1 of 4 stars; one submission).

Conditions:
Arrhythmogenic right ventricular dysplasia 12. Also called: ARRHYTHMOGENIC RIGHT VENTRICULAR DYSPLASIA, FAMILIAL, 12. Identifiers: MedGen C1969081, MONDO:0012684, OMIM 611528.
Naxos disease (NXD). Also called: KERATOSIS PALMOPLANTARIS WITH ARRHYTHMOGENIC CARDIOMYOPATHY; MAL DE NAXOS; PALMOPLANTAR KERATODERMA WITH ARRHYTHMOGENIC RIGHT VENTRICULAR CARDIOMYOPATHY AND WOOLLY HAIR; WOOLLY HAIR, PALMOPLANTAR KERATODERMA, AND CARDIAC ABNORMALITIES; CARDIOMYOPATHY, ARRHYTHMOGENIC RIGHT VENTRICULAR, WITH SKIN, HAIR, AND NAIL ABNORMALITIES. Identifiers: Orphanet 34217, MedGen C1832600, MONDO:0011017, OMIM 601214.

Submission:

Labcorp Genetics (formerly Invitae), Labcorp
Classification: Uncertain significance for Arrhythmogenic right ventricular dysplasia 12; Naxos disease. Last evaluated: 2023-01-01. Review status: criteria provided, single submitter. Criteria: Invitae Variant Classification Sherloc (09022015). Collection method: clinical testing. Allele origin: germline.
Comment: This sequence change replaces methionine, which is neutral and non-polar, with lysine, which is basic and polar, at codon 89 of the JUP protein (p.Met89Lys). Algorithms developed to predict the effect of missense changes on protein structure and function are either unavailable or do not agree on the potential impact of this missense change (SIFT: "Deleterious"; PolyPhen-2: "Benign"; Align-GVGD: "Class C0"). This variant has not been reported in the literature in individuals affected with JUP-related conditions. This variant is not present in population databases (gnomAD no frequency). In summary, the available evidence is currently insufficient to determine the role of this variant in disease. Therefore, it has been classified as a Variant of Uncertain Significance.